The following is an entry in ClinVar:

NM_012330.4(KAT6B):c.3191T>C (p.Leu1064Pro)

Gene: KAT6B (lysine acetyltransferase 6B; plus strand). Cytogenetic location: 10q22.2.
Variant type: single nucleotide variant.
Coding change: c.3191T>C on transcript NM_012330.4 (MANE Select); coding-DNA position 3191, T replaced by C.
Protein change: p.Leu1064Pro; replaces leucine 1064 with proline.
Molecular consequence: missense variant.
Genome position (GRCh38, 1-based): chr10:75,022,050, T>C. VCF-style: chr10-75022050-T-C. GRCh37 (hg19) VCF-style: chr10-76781808-T-C.
Other names: c.2126T>C, p.Leu709Pro (NM_001370144.1, NM_001370143.1); c.2642T>C, p.Leu881Pro (NM_001256468.2, NM_001370138.1); c.2315T>C, p.Leu772Pro (NM_001256469.2, NM_001370139.1, NM_001370140.1 and 2 more transcripts); c.2153T>C, p.Leu718Pro (NM_001370132.1); c.1502T>C, p.Leu501Pro (NM_001370133.1); c.1106T>C, p.Leu369Pro (NM_001370134.1); c.848T>C, p.Leu283Pro (NM_001370135.1); c.3191T>C, p.Leu1064Pro (NM_001370136.1, NM_001370137.1); short protein forms L1064P, L709P, L283P, L881P, L369P, L772P, L501P, L718P.
Identifiers: ClinVar variation 4704789 (VCV004704789.1).

ClinVar aggregate classification (germline): Uncertain significance (1 of 4 stars; one submission).

Conditions:
Genitopatellar syndrome (GTPTS). Also called: ABSENT PATELLAE, SCROTAL HYPOPLASIA, RENAL ANOMALIES, FACIAL DYSMORPHISM, AND MENTAL RETARDATION; Genitopatellar syndrome (GPS). Identifiers: Orphanet 85201, MedGen C1853566, MONDO:0011640, OMIM 606170.

gnomAD v4.1: 2 of 1,613,116 alleles (0.00012%); highest among the groups gnomAD compares: Middle Eastern, 0.016%; no homozygotes.

Submission:

Labcorp Genetics (formerly Invitae), Labcorp
Classification: Uncertain significance for Genitopatellar syndrome. Last evaluated: 2025-06-25. Review status: criteria provided, single submitter. Criteria: Invitae Variant Classification Sherloc (09022015). Collection method: clinical testing. Allele origin: germline.
Comment: This sequence change replaces leucine, which is neutral and non-polar, with proline, which is neutral and non-polar, at codon 1064 of the KAT6B protein (p.Leu1064Pro). This variant is not present in population databases (gnomAD no frequency). This variant has not been reported in the literature in individuals affected with KAT6B-related conditions. Invitae Evidence Modeling of protein sequence and biophysical properties (such as structural, functional, and spatial information, amino acid conservation, physicochemical variation, residue mobility, and thermodynamic stability) indicates that this missense variant is not expected to disrupt KAT6B protein function with a negative predictive value of 80%. In summary, the available evidence is currently insufficient to determine the role of this variant in disease. Therefore, it has been classified as a Variant of Uncertain Significance.